The following is an entry in ClinVar:

NM_025114.4(CEP290):c.3847C>T (p.Gln1283Ter)

Gene: CEP290 (centrosomal protein 290; minus strand). Cytogenetic location: 12q21.32.
Variant type: single nucleotide variant.
Coding change: c.3847C>T on transcript NM_025114.4 (MANE Select); coding-DNA position 3847, C replaced by T.
Protein change: p.Gln1283Ter; replaces glutamine 1283 with a stop codon.
Molecular consequence: nonsense.
Genome position (GRCh38, 1-based): chr12:88,089,214, G>A on the plus strand (C>T on the coding strand, the complement: CEP290 is on the minus strand). VCF-style: chr12-88089214-G-A. GRCh37 (hg19) VCF-style: chr12-88482991-G-A.
Other names: short protein forms Q1283*.
Identifiers: ClinVar variation 982526 (VCV000982526.16), dbSNP rs2036824785, ClinGen allele CA386000583.

ClinVar aggregate classification (germline): Pathogenic/Likely pathogenic. Review status: criteria provided, multiple submitters, no conflicts (2 of 4 stars). 7 submissions from 7 submitters: Pathogenic (6); Likely pathogenic (1). Last evaluated 2026-05-03.

Conditions:
CEP290-related ciliopathy. Also called: CEP290 ciliopathy. Identifiers: MedGen CN305601, MONDO:0100451.
CEP290-related disorder. Also called: CEP290-related condition; CEP290-related disorders. Identifiers: MedGen CN239314.
Meckel-Gruber syndrome. Also called: Dysencephalia splachnocystica; DYSENCEPHALIA SPLANCHNOCYSTICA; GRUBER SYNDROME. Identifiers: Orphanet 564, MedGen C0265215, MONDO:0018921.
Nephronophthisis. Also called: Juvenile Nephronophthisis. Identifiers: Orphanet 655, MedGen C0687120, MONDO:0019005, HP:0000090.
Joubert syndrome. Also called: JOUBERT-BOLTSHAUSER SYNDROME; Familial aplasia of the vermis. Identifiers: Orphanet 475, MedGen C5979921, MONDO:0018772.
Meckel syndrome, type 4 (MKS4). Also called: MECKEL-GRUBER SYNDROME, TYPE 4. Identifiers: Orphanet 564, MedGen C1970161, MONDO:0012626, OMIM 611134.
Leber congenital amaurosis 10 (LCA10). Identifiers: Orphanet 65, MedGen C1857821, MONDO:0012723, OMIM 611755.
Joubert syndrome 5 (JBTS5). Identifiers: Orphanet 2318, MedGen C1857780, MONDO:0012432, OMIM 610188.
Senior-Loken syndrome 6 (SLSN6). Identifiers: Orphanet 3156, MedGen C1857779, MONDO:0012433, OMIM 610189.
Bardet-Biedl syndrome 14 (BBS14). Identifiers: Orphanet 110, MedGen C2673874, MONDO:0014442, OMIM 615991.
Meckel syndrome, type 3 (MKS3). Also called: MECKEL-GRUBER SYNDROME, TYPE 3. Identifiers: Orphanet 564, MedGen C1846357, MONDO:0011821, OMIM 607361.

Allele frequency attached by ClinVar (database versions not stated): gnomAD exomes below 0.00001.
gnomAD v4.1: 2 of 1,613,392 alleles (0.00012%); highest among the groups gnomAD compares: East Asian, 0.0022%; no homozygotes.

Submissions (7):

Myriad Genetics, Inc.
Classification: Pathogenic for CEP290-related ciliopathy. Last evaluated: 2026-05-03. Review status: criteria provided, single submitter. Criteria: Myriad Autosomal Dominant, Autosomal Recessive and X-Linked Classification Criteria (2023). Collection method: clinical testing. Allele origin: unknown.
Comment: NM_025114.3(CEP290):c.3847C>T(Q1283*) is expected to be pathogenic in the context of CEP290-related disorders. This variant is predicted to lead to an abnormal or absent protein product due to the creation of a premature termination codon in CEP290, a gene where loss-of-function variants are known to be pathogenic. Please note: this variant was assessed in the context of healthy population screening.

Fulgent Genetics
Classification: Pathogenic for Joubert syndrome 5; Senior-Loken syndrome 6; Meckel syndrome, type 4; Leber congenital amaurosis 10; Bardet-Biedl syndrome 14. Last evaluated: 2024-05-31. Review status: criteria provided, single submitter. Criteria: ACMG Guidelines, 2015. Collection method: clinical testing. Allele origin: germline.

Baylor Genetics
Classification: Pathogenic for Bardet-Biedl syndrome 14. Last evaluated: 2023-04-13. Review status: criteria provided, single submitter. Criteria: ACMG Guidelines, 2015. Collection method: clinical testing. Allele origin: unknown.

Women's Health and Genetics/Laboratory Corporation of America, LabCorp
Classification: Likely pathogenic for CEP290-related disorder. Last evaluated: 2023-01-01. Review status: criteria provided, single submitter. Criteria: LabCorp Variant Classification Summary - May 2015. Collection method: clinical testing. Allele origin: germline.
Comment: Variant summary: CEP290 c.3847C>T (p.Gln1283X) results in a premature termination codon, predicted to cause a truncation of the encoded protein or absence of the protein due to nonsense mediated decay, which are commonly known mechanisms for disease. Truncations downstream of this position have been classified as pathogenic by our laboratory. The variant was absent in 248200 control chromosomes (gnomAD). c.3847C>T has been reported in the literature in at least one compound heterozygous individual affected with Joubert Syndrome (Surl_2020). These data do not allow any conclusion about variant significance. To our knowledge, no experimental evidence demonstrating an impact on protein function has been reported. One ClinVar submitter has assessed the variant since 2014: the variant was classified as pathogenic. Based on the evidence outlined above, the variant was classified as likely pathogenic.

Labcorp Genetics (formerly Invitae), Labcorp
Classification: Pathogenic for Joubert syndrome; Meckel-Gruber syndrome; Nephronophthisis. Last evaluated: 2022-10-01. Review status: criteria provided, single submitter. Criteria: Invitae Variant Classification Sherloc (09022015). Collection method: clinical testing. Allele origin: germline.
Comment: For these reasons, this variant has been classified as Pathogenic. Algorithms developed to predict the effect of sequence changes on RNA splicing suggest that this variant may create or strengthen a splice site. ClinVar contains an entry for this variant (Variation ID: 982526). This premature translational stop signal has been observed in individual(s) with CEP290-related conditions (PMID: 32165824). This variant is not present in population databases (gnomAD no frequency). This sequence change creates a premature translational stop signal (p.Gln1283*) in the CEP290 gene. It is expected to result in an absent or disrupted protein product. Loss-of-function variants in CEP290 are known to be pathogenic (PMID: 16909394, 17345604, 20690115).

Department of Maternal-Fetal Biology, National Research Institute for Child Health and Development
Classification: Pathogenic for Meckel syndrome, type 3. Last evaluated: 2022-01-01. Review status: criteria provided, single submitter. Criteria: ACMG Guidelines, 2015. Collection method: research. Allele origin: maternal, paternal. Affected: yes. Observed: 2 variant alleles.

Juno Genomics, Hangzhou Juno Genomics, Inc
Classification: Pathogenic for Joubert syndrome 5. Review status: criteria provided, single submitter. Criteria: ACMG Guidelines, 2015. Collection method: clinical testing. Allele origin: germline. Affected: yes.
Comment: Null variant in a gene where loss of function (LOF) is a known mechanism of disease.;Absent from controls (or at extremely low frequency if recessive) in Genome Aggregation Database, Exome Sequencing Project, 1000 Genomes Project, or Exome Aggregation Consortium.;For recessive disorders, detected in trans with a pathogenic variant.;Patient's phenotype or family history is highly specific for a disease with a single genetic etiology.

Literature cited by the submitters: PubMed 32165824 (cited by Women's Health and Genetics/Laboratory Corporation of America, LabCorp and Labcorp Genetics (formerly Invitae), Labcorp); PubMed 16909394 (cited by Labcorp Genetics (formerly Invitae), Labcorp); PubMed 17345604 (cited by Labcorp Genetics (formerly Invitae), Labcorp); PubMed 20690115 (cited by Labcorp Genetics (formerly Invitae), Labcorp).